The following is an entry in ClinVar:

ClinVar aggregate classification (germline): Likely benign. Review status: criteria provided, single submitter (1 of 4 stars). 2 submissions from 2 submitters: Likely benign (1). 1 of the submissions does not count toward it. Last evaluated 2022-09-29.

Conditions:
TENM3-related disorder. Also called: TENM3-related condition.

Allele frequency attached by ClinVar (database versions not stated): ExAC 0.00001; gnomAD 0.00002; TOPMed 0.00004.
gnomAD v4.1: 17 of 1,613,184 alleles (0.0011%); highest among the groups gnomAD compares: Admixed American, 0.01%; no homozygotes.

Submissions (2):

Labcorp Genetics (formerly Invitae), Labcorp
Classification: Likely benign. Last evaluated: 2022-09-29. Review status: criteria provided, single submitter. Criteria: Invitae Variant Classification Sherloc (09022015). Collection method: clinical testing. Allele origin: germline.

PreventionGenetics, part of Exact Sciences
Classification: Likely benign for TENM3-related condition. Last evaluated: 2019-02-22. Review status: no assertion criteria provided. Collection method: clinical testing. Allele origin: germline. Not counted in ClinVar's aggregate classification.
Comment: This variant is classified as likely benign based on ACMG/AMP sequence variant interpretation guidelines (Richards et al. 2015 PMID: 25741868, with internal and published modifications).

NM_001080477.4(TENM3):c.414G>T (p.Gly138=)

Gene: TENM3 (teneurin transmembrane protein 3; plus strand). Cytogenetic location: 4q35.1.
Variant type: single nucleotide variant.
Coding change: c.414G>T on transcript NM_001080477.4 (MANE Select); coding-DNA position 414, G replaced by T.
Protein change: p.Gly138=; no amino-acid change (glycine 138 retained).
Molecular consequence: synonymous variant. On other transcripts: intron variant (4).
Genome position (GRCh38, 1-based): chr4:182,346,832, G>T. VCF-style: chr4-182346832-G-T. GRCh37 (hg19) VCF-style: chr4-183267985-G-T.
Other names: c.414G>T (NM_001080477.3); c.414G>T, p.Gly138= (NM_001415968.1, NM_001415969.1, NM_001415970.1 and 4 more transcripts); c.232+22580G>T (NM_001415976.1, NM_001415967.1, NM_001415977.1 and 1 more transcripts).
Identifiers: ClinVar variation 2178960 (VCV002178960.6), dbSNP rs761052824, ClinGen allele CA3147394.